The following is an entry in ClinVar:

NM_005732.4(RAD50):c.32_33delinsAA (p.Gly11Glu)

Gene: RAD50 (RAD50 double strand break repair protein; plus strand). Cytogenetic location: 5q31.1.
Variant type: Indel.
Coding change: c.32_33delinsAA on transcript NM_005732.4 (MANE Select); coding-DNA positions 32 to 33, GC replaced by AA.
Protein change: p.Gly11Glu; replaces glycine 11 with glutamic acid.
Molecular consequence: missense variant.
Genome position (GRCh38, 1-based): chr5:132,557,356-132,557,357, GC replaced by AA. VCF-style: chr5-132557356-GC-AA. GRCh37 (hg19) VCF-style: chr5-131893048-GC-AA.
Other names: short protein forms G11E.
Identifiers: ClinVar variation 838367 (VCV000838367.8), dbSNP rs1750019704, ClinGen allele CA916082758.
Genomic context (GRCh38, chr5:132,557,356, plus strand): 5'-CCCTGGTGAGATTAGAAACGTTTGCAAACATGTCCCGGATCGAAAAGATGAGCATTCTGG[GC>AA]GTGCGGAGTTTTGGAATAGAGGACAAAGATAAGCAAATTATCACTTTCTTCAGCCCCCTT-3'
Protein context (NP_005723.2, residues 1-21): MSRIEKMSIL[Gly11Glu]VRSFGIEDKD

ClinVar aggregate classification (germline): Uncertain significance (1 of 4 stars; one submission).

Conditions:
Hereditary cancer-predisposing syndrome. Also called: Neoplastic Syndromes, Hereditary; Tumor predisposition; Hereditary neoplastic syndrome; Hereditary Cancer Syndrome. Identifiers: Orphanet 140162, MedGen C0027672, MeSH D009386, MONDO:0015356.

Submission:

Labcorp Genetics (formerly Invitae), Labcorp
Classification: Uncertain significance for Hereditary cancer-predisposing syndrome. Last evaluated: 2021-09-29. Review status: criteria provided, single submitter. Criteria: Invitae Variant Classification Sherloc (09022015). Collection method: clinical testing. Allele origin: germline.
Comment: ClinVar contains an entry for this variant (Variation ID: 838367). In summary, the available evidence is currently insufficient to determine the role of this variant in disease. Therefore, it has been classified as a Variant of Uncertain Significance. Algorithms developed to predict the effect of sequence changes on RNA splicing suggest that this variant may create or strengthen a splice site. Algorithms developed to predict the effect of missense changes on protein structure and function are either unavailable or do not agree on the potential impact of this missense change (SIFT: "Not Available"; PolyPhen-2: "Probably Damaging"; Align-GVGD: "Not Available"). This variant has not been reported in the literature in individuals affected with RAD50-related conditions. The frequency data for this variant in the population databases is not available, as this variant may be reported as separate entries in the ExAC database. This sequence change replaces glycine with glutamic acid at codon 11 of the RAD50 protein (p.Gly11Glu). The glycine residue is highly conserved and there is a moderate physicochemical difference between glycine and glutamic acid.